The following is an entry in ClinVar:

ClinVar aggregate classification (germline): Benign/Likely benign. Review status: criteria provided, multiple submitters, no conflicts (2 of 4 stars). 13 submissions from 11 submitters: Benign (11); Likely benign (1). 1 of the submissions does not count toward it. Last evaluated 2026-06-19.

Conditions:
Usher syndrome type 1 (USH1). Also called: RETINITIS PIGMENTOSA AND CONGENITAL DEAFNESS. Identifiers: Orphanet 231169, Orphanet 886, MedGen C1568247, MONDO:0010168, OMIM 276900.
Autosomal recessive nonsyndromic hearing loss 12. Also called: DEAFNESS, AUTOSOMAL RECESSIVE 12. Identifiers: Orphanet 90636, MedGen C1832394, MONDO:0011067, OMIM 601386.
Usher syndrome type 1D (USH1D). Also called: USHER SYNDROME, TYPE ID. Identifiers: Orphanet 231169, Orphanet 886, MedGen C1832845, MONDO:0010984, OMIM 601067.

Allele frequency attached by ClinVar (database versions not stated): gnomAD exomes 0.13228 and 0.09709; 1000 Genomes Project 30x 0.13679; gnomAD 0.09167 and 0.08719; TOPMed 0.09881; 1000 Genomes Project 0.13978; ESP Exome Variant Server 0.06933; ExAC 0.13174.
gnomAD v4.1: 155,801 of 1,610,376 alleles (9.7%); highest among the groups gnomAD compares: East Asian, 30%; 9,966 homozygotes.

Submissions (13):

Women's Health and Genetics/Laboratory Corporation of America, LabCorp
Classification: Benign. Last evaluated: 2026-06-19. Review status: criteria provided, single submitter. Criteria: LabCorp Variant Classification Summary - May 2015. Collection method: clinical testing. Allele origin: germline.

Labcorp Genetics (formerly Invitae), Labcorp
Classification: Benign. Last evaluated: 2026-02-04. Review status: criteria provided, single submitter. Criteria: Invitae Variant Classification Sherloc (09022015). Collection method: clinical testing. Allele origin: germline.

Genome-Nilou Lab
Classification: Benign for Usher syndrome type 1D. Last evaluated: 2021-07-01. Review status: criteria provided, single submitter. Criteria: ACMG Guidelines, 2015. Collection method: clinical testing. Allele origin: germline. Affected: no.

Genome-Nilou Lab
Classification: Benign for Autosomal recessive nonsyndromic hearing loss 12. Last evaluated: 2021-07-01. Review status: criteria provided, single submitter. Criteria: ACMG Guidelines, 2015. Collection method: clinical testing. Allele origin: germline. Affected: no.

Mayo Clinic Laboratories, Mayo Clinic
Classification: Benign. Last evaluated: 2021-02-18. Review status: criteria provided, single submitter. Criteria: ACMG Guidelines, 2015. Collection method: clinical testing. Allele origin: germline. Observed: 31 variant alleles.

Illumina Laboratory Services, Illumina
Classification: Benign for Usher syndrome type 1D. Last evaluated: 2018-01-13. Review status: criteria provided, single submitter. Criteria: ICSL Variant Classification Criteria 13 December 2019. Collection method: clinical testing. Allele origin: germline.
Comment: This variant was observed in the ICSL laboratory as part of a predisposition screen in an ostensibly healthy population. It had not been previously curated by ICSL or reported in the Human Gene Mutation Database (HGMD: prior to June 1st, 2018), and was therefore a candidate for classification through an automated scoring system. Utilizing variant allele frequency, disease prevalence and penetrance estimates, and inheritance mode, an automated score was calculated to assess if this variant is too frequent to cause the disease. Based on the score and internal cut-off values, a variant classified as benign is not then subjected to further curation. The score for this variant resulted in a classification of benign for this disease.

Illumina Laboratory Services, Illumina
Classification: Benign for Autosomal recessive nonsyndromic hearing loss 12. Last evaluated: 2018-01-13. Review status: criteria provided, single submitter. Criteria: ICSL Variant Classification Criteria 13 December 2019. Collection method: clinical testing. Allele origin: germline.
Comment: the same text as in the submission from Illumina Laboratory Services, Illumina above.

Eurofins Ntd Llc (ga)
Classification: Benign. Last evaluated: 2014-08-11. Review status: criteria provided, single submitter. Criteria: EGL Classification Definitions 2015. Collection method: clinical testing. Allele origin: germline. Observed: 1 variant allele, 1 heterozygote.

GeneDx
Classification: Benign. Last evaluated: 2013-03-05. Review status: criteria provided, single submitter. Criteria: GeneDx Variant Classification (06012015). Collection method: clinical testing. Allele origin: germline. Affected: yes.
Comment: This variant is considered likely benign or benign based on one or more of the following criteria: it is a conservative change, it occurs at a poorly conserved position in the protein, it is predicted to be benign by multiple in silico algorithms, and/or has population frequency not consistent with disease.

Laboratory for Molecular Medicine, Mass General Brigham Personalized Medicine
Classification: Benign. Last evaluated: 2009-06-12. Review status: criteria provided, single submitter. Criteria: LMM Criteria. Collection method: clinical testing. Allele origin: germline. Observed: 439 variant alleles.

Breakthrough Genomics
Classification: Likely benign. Review status: criteria provided, single submitter. Criteria: ACMG Guidelines, 2015. Collection method: not provided. Allele origin: germline. Inheritance: Autosomal recessive inheritance. Affected: yes.

PreventionGenetics, part of Exact Sciences
Classification: Benign. Review status: criteria provided, single submitter. Criteria: ACMG Guidelines, 2015. Collection method: clinical testing. Allele origin: germline.

Natera, Inc.
Classification: Benign for Usher syndrome type 1. Last evaluated: 2020-09-16. Review status: no assertion criteria provided. Collection method: clinical testing. Allele origin: germline. Not counted in ClinVar's aggregate classification.

NM_022124.6(CDH23):c.9873G>A (p.Thr3291=)

Gene: CDH23 (cadherin related 23; plus strand). Cytogenetic location: 10q22.1.
Variant type: single nucleotide variant.
Coding change: c.9873G>A on transcript NM_022124.6 (MANE Select); coding-DNA position 9873, G replaced by A.
Protein change: p.Thr3291=; no amino-acid change (threonine 3291 retained).
Molecular consequence: synonymous variant.
Genome position (GRCh38, 1-based): chr10:71,815,086, G>A. VCF-style: chr10-71815086-G-A. GRCh37 (hg19) VCF-style: chr10-73574843-G-A.
Other names: p.T3291T:ACG>ACA; p.Thr3291=; c.3153G>A, p.Thr1051= (NM_001171933.1); c.3048G>A, p.Thr1016= (NM_001171934.1); c.564G>A, p.Thr188= (NM_001171935.1); c.459G>A, p.Thr153= (NM_001171936.1).
Identifiers: ClinVar variation 46080 (VCV000046080.28), dbSNP rs2290021, ClinGen allele CA137649.